The following is an entry in ClinVar:

ClinVar aggregate classification (germline): Uncertain significance. Review status: criteria provided, multiple submitters, no conflicts (2 of 4 stars). 2 submissions from 2 submitters: Uncertain significance (2). Last evaluated 2025-12-04.

Conditions:
Inborn genetic diseases. Identifiers: MedGen C0950123, MeSH D030342.

Allele frequency attached by ClinVar (database versions not stated): ESP Exome Variant Server 0.00008; ExAC 0.00021; TOPMed 0.00005; gnomAD exomes 0.00008; gnomAD 0.00004.
gnomAD v4.1: 118 of 1,612,816 alleles (0.0073%); highest among the groups gnomAD compares: Non-Finnish European, 0.0093%; 1 homozygote.

Submissions (2):

Ambry Genetics
Classification: Uncertain significance for Inborn genetic diseases. Last evaluated: 2025-12-04. Review status: criteria provided, single submitter. Criteria: Ambry Variant Classification Scheme 2023. Collection method: clinical testing. Allele origin: germline.

GeneDx
Classification: Uncertain significance. Last evaluated: 2022-10-05. Review status: criteria provided, single submitter. Criteria: GeneDx Variant Classification Process June 2021. Collection method: clinical testing. Allele origin: germline. Affected: yes.
Comment: In silico analysis supports that this missense variant has a deleterious effect on protein structure/function; Has not been previously published as pathogenic or benign to our knowledge

NM_014875.3(KIF14):c.2095C>T (p.Arg699Cys)

Gene: KIF14 (kinesin family member 14; minus strand). Cytogenetic location: 1q32.1.
Variant type: single nucleotide variant.
Coding change: c.2095C>T on transcript NM_014875.3 (MANE Select); coding-DNA position 2095, C replaced by T.
Protein change: p.Arg699Cys; replaces arginine 699 with cysteine.
Molecular consequence: missense variant.
Genome position (GRCh38, 1-based): chr1:200,601,953, G>A on the plus strand (C>T on the coding strand, the complement: KIF14 is on the minus strand). VCF-style: chr1-200601953-G-A. GRCh37 (hg19) VCF-style: chr1-200571081-G-A.
Other names: c.622C>T, p.Arg208Cys (NM_001305792.1); short protein forms R208C, R699C.
Identifiers: ClinVar variation 2497829 (VCV002497829.2), dbSNP rs145793903, ClinGen allele CA1317617.